The following is an entry in ClinVar:

NM_000428.3(LTBP2):c.3206C>T (p.Thr1069Met)

Gene: LTBP2 (latent transforming growth factor beta binding protein 2; minus strand). Cytogenetic location: 14q24.3.
Variant type: single nucleotide variant.
Coding change: c.3206C>T on transcript NM_000428.3 (MANE Select); coding-DNA position 3206, C replaced by T.
Protein change: p.Thr1069Met; replaces threonine 1069 with methionine.
Molecular consequence: missense variant.
Genome position (GRCh38, 1-based): chr14:74,509,805, G>A on the plus strand (C>T on the coding strand, the complement: LTBP2 is on the minus strand). VCF-style: chr14-74509805-G-A. GRCh37 (hg19) VCF-style: chr14-74976508-G-A.
Other names: short protein forms T1069M.
Identifiers: ClinVar variation 1416334 (VCV001416334.3), dbSNP rs779396017, ClinGen allele CA7269256.

ClinVar aggregate classification (germline): Uncertain significance (1 of 4 stars; one submission).

Allele frequency attached by ClinVar (database versions not stated): gnomAD exomes 0.00001; ExAC 0.00002; gnomAD 0.00003; TOPMed 0.00003.
gnomAD v4.1: 11 of 1,613,978 alleles (0.00068%); highest among the groups gnomAD compares: African/African-American, 0.008%; no homozygotes.

Submission:

Labcorp Genetics (formerly Invitae), Labcorp
Classification: Uncertain significance. Last evaluated: 2022-05-16. Review status: criteria provided, single submitter. Criteria: Invitae Variant Classification Sherloc (09022015). Collection method: clinical testing. Allele origin: germline.
Comment: This sequence change replaces threonine, which is neutral and polar, with methionine, which is neutral and non-polar, at codon 1069 of the LTBP2 protein (p.Thr1069Met). This variant is present in population databases (rs779396017, gnomAD 0.01%). This variant has not been reported in the literature in individuals affected with LTBP2-related conditions. Algorithms developed to predict the effect of missense changes on protein structure and function (SIFT, PolyPhen-2, Align-GVGD) all suggest that this variant is likely to be disruptive. In summary, the available evidence is currently insufficient to determine the role of this variant in disease. Therefore, it has been classified as a Variant of Uncertain Significance.